The following is an entry in ClinVar:

ClinVar aggregate classification (germline): Pathogenic/Likely pathogenic. Review status: criteria provided, multiple submitters, no conflicts (2 of 4 stars). 2 submissions from 2 submitters: Pathogenic (1); Likely pathogenic (1). Last evaluated 2025-07-06.

Conditions:
Smith-Lemli-Opitz syndrome (SLOS). Also called: 7-Dehydrocholesterol reductase deficiency; LETHAL ACRODYSGENITAL SYNDROME; POLYDACTYLY, SEX REVERSAL, RENAL HYPOPLASIA, AND UNILOBAR LUNG; RSH SYNDROME; RUTLEDGE LETHAL MULTIPLE CONGENITAL ANOMALY SYNDROME. Identifiers: Orphanet 818, MedGen C0175694, MONDO:0010035, OMIM 270400.

Submissions (2):

Natera, Inc.
Classification: Likely pathogenic for Smith-Lemli-Opitz syndrome. Last evaluated: 2025-07-06. Review status: criteria provided, single submitter. Criteria: Natera Variant Classification Schema (03/2026). Collection method: clinical testing. Allele origin: germline.
Comment: The c.938G>A variant in DHCR7 is a nonsense variant predicted to introduce a stop codon at amino acid 313. This variant is expected to result in nonsense mediated decay, truncation, or a dysfunctional protein product. This variant is rare in the general population with a frequency below the threshold expected for the associated phenotype(s). Given the available evidence, this variant is classified as Likely Pathogenic.

Labcorp Genetics (formerly Invitae), Labcorp
Classification: Pathogenic for Smith-Lemli-Opitz syndrome. Last evaluated: 2024-10-28. Review status: criteria provided, single submitter. Criteria: Invitae Variant Classification Sherloc (09022015). Collection method: clinical testing. Allele origin: germline.
Comment: This sequence change creates a premature translational stop signal (p.Trp313*) in the DHCR7 gene. While this is not anticipated to result in nonsense mediated decay, it is expected to disrupt the last 163 amino acid(s) of the DHCR7 protein. This variant is not present in population databases (gnomAD no frequency). This variant has not been reported in the literature in individuals affected with DHCR7-related conditions. This variant disrupts a region of the DHCR7 protein in which other variant(s) (p.Phe475Ser) have been determined to be pathogenic (PMID: 15776424). This suggests that this is a clinically significant region of the protein, and that variants that disrupt it are likely to be disease-causing. For these reasons, this variant has been classified as Pathogenic.

Literature cited by the submitters: PubMed 15776424 (cited by Labcorp Genetics (formerly Invitae), Labcorp).

NM_001360.3(DHCR7):c.938G>A (p.Trp313Ter)

Gene: DHCR7 (7-dehydrocholesterol reductase; minus strand). Cytogenetic location: 11q13.4.
Variant type: single nucleotide variant.
Coding change: c.938G>A on transcript NM_001360.3 (MANE Select); coding-DNA position 938, G replaced by A.
Protein change: p.Trp313Ter; replaces tryptophan 313 with a stop codon.
Molecular consequence: nonsense. On other transcripts: intron variant (1).
Genome position (GRCh38, 1-based): chr11:71,437,837, C>T on the plus strand (G>A on the coding strand, the complement: DHCR7 is on the minus strand). VCF-style: chr11-71437837-C-T. GRCh37 (hg19) VCF-style: chr11-71148883-C-T.
Other names: c.842G>A, p.Trp281Ter (NM_001425114.1, NM_001425116.1); c.764G>A, p.Trp255Ter (NM_001425117.1); c.938G>A, p.Trp313Ter (NM_001425110.1, NM_001425118.1, NM_001425119.1 and 5 more transcripts); c.869+69G>A (NM_001425121.1); c.989G>A, p.Trp330Ter (NM_001425107.1); c.974G>A, p.Trp325Ter (NM_001425108.1); c.878G>A, p.Trp293Ter (NM_001425113.1); short protein forms W325*, W281*, W255*, W293*, W313*, W330*.
Identifiers: ClinVar variation 3709909 (VCV003709909.3).